The following is an entry in ClinVar:

ClinVar aggregate classification (germline): Uncertain significance (1 of 4 stars; one submission).

Conditions:
Autosomal recessive limb-girdle muscular dystrophy type 2A (LGMDR1). Also called: Limb-girdle muscular dystrophy, type 2A; Calpainopathy; LEYDEN-MOEBIUS MUSCULAR DYSTROPHY; MUSCULAR DYSTROPHY, PELVOFEMORAL; Muscular dystrophy, limb-girdle, type 2A, Amish. Identifiers: Orphanet 267, MedGen C1869123, MONDO:0009675, OMIM 253600. Disease mechanism: loss of function.

Submission:

MGZ Medical Genetics Center
Classification: Uncertain significance for Autosomal recessive limb-girdle muscular dystrophy type 2A. Last evaluated: 2022-02-08. Review status: criteria provided, single submitter. Criteria: ACMG Guidelines, 2015. Collection method: clinical testing. Allele origin: germline. Affected: yes. Observed: 1 variant allele.
Comment: ACMG criteria applied: PM5, PM2_SUP, PP2, PP3

NM_000070.3(CAPN3):c.1659G>C (p.Glu553Asp)

Gene: CAPN3 (calpain 3; plus strand). Cytogenetic location: 15q15.1.
Variant type: single nucleotide variant.
Coding change: c.1659G>C on transcript NM_000070.3 (MANE Select); coding-DNA position 1659, G replaced by C.
Protein change: p.Glu553Asp; replaces glutamic acid 553 with aspartic acid.
Molecular consequence: missense variant.
Genome position (GRCh38, 1-based): chr15:42,402,916, G>C. VCF-style: chr15-42402916-G-C. GRCh37 (hg19) VCF-style: chr15-42695114-G-C.
Other names: c.1659G>C, p.Glu553Asp (NM_024344.2); c.1515G>C, p.Glu505Asp (NM_173087.2); c.123G>C, p.Glu41Asp (NM_173088.2); c.*775G>C (NM_212464.2); c.*1352G>C (NM_212467.2); short protein forms E41D, E505D, E553D.
Identifiers: ClinVar variation 1710065 (VCV001710065.2), dbSNP rs1566981118, ClinGen allele CA392000333.